The following is an entry in ClinVar:

NM_000516.7(GNAS):c.1147del (p.Ile383fs)

Gene: GNAS (GNAS complex locus; plus strand). Cytogenetic location: 20q13.32.
Variant type: Deletion.
Coding change: c.1147del on transcript NM_000516.7 (MANE Select); coding-DNA position 1147, one base deleted (A; older notation c.1147delA).
Protein change: p.Ile383fs; shifts the reading frame from isoleucine 383.
Molecular consequence: frameshift variant. On other transcripts: 3 prime UTR variant (2).
Genome position (GRCh38, 1-based): chr20:58,910,791, A deleted. VCF-style (leftmost placement, unchanged base first): chr20-58910790-CA-C. GRCh37 (hg19) VCF-style: chr20-57485845-CA-C.
Other names: c.1150del, p.Ile384fs (NM_001077488.5); c.1102del, p.Ile368fs (NM_001077489.4); c.*1008del (NM_001077490.3); c.970del, p.Ile324fs (NM_001309840.2, NM_001309861.2); c.1051del, p.Ile351fs (NM_001410912.1); c.3031del, p.Ile1011fs (NM_001410913.1); c.*1053del (NM_016592.5); c.3076del, p.Ile1026fs (NM_080425.4); and 1 more; short protein forms I1026fs, I324fs, I369fs, I351fs, I383fs, I1011fs, I368fs, I384fs.
Identifiers: ClinVar variation 2709540 (VCV002709540.3), dbSNP rs2517297405, ClinGen allele CA2653525461.

ClinVar aggregate classification (germline): Pathogenic (1 of 4 stars; one submission).

Submission:

Labcorp Genetics (formerly Invitae), Labcorp
Classification: Pathogenic. Last evaluated: 2024-01-16. Review status: criteria provided, single submitter. Criteria: Invitae Variant Classification Sherloc (09022015). Collection method: clinical testing. Allele origin: germline.
Comment: This sequence change results in a frameshift in the GNAS gene (p.Ile383Phefs*21). While this is not anticipated to result in nonsense mediated decay, it is expected to disrupt the last 12 amino acid(s) of the GNAS protein and extend the protein by 8 additional amino acid residues. This variant is not present in population databases (gnomAD no frequency). This variant has not been reported in the literature in individuals affected with GNAS-related conditions. This variant disrupts a region of the GNAS protein in which other variant(s) (p.Glu392Lys) have been determined to be pathogenic (PMID: 12970262, 21488135, 21525160, 24651309). This suggests that this is a clinically significant region of the protein, and that variants that disrupt it are likely to be disease-causing. For these reasons, this variant has been classified as Pathogenic.

Literature cited by the submitters: PubMed 12970262; PubMed 21488135; PubMed 21525160; PubMed 24651309.